The following is an entry in ClinVar:

ClinVar aggregate classification (germline): Uncertain significance (1 of 4 stars; one submission).

Submission:

Labcorp Genetics (formerly Invitae), Labcorp
Classification: Uncertain significance. Last evaluated: 2025-04-21. Review status: criteria provided, single submitter. Criteria: Invitae Variant Classification Sherloc (09022015). Collection method: clinical testing. Allele origin: germline.
Comment: This sequence change replaces glutamic acid, which is acidic and polar, with lysine, which is basic and polar, at codon 823 of the KAT6A protein (p.Glu823Lys). This variant is not present in population databases (gnomAD no frequency). This variant has not been reported in the literature in individuals affected with KAT6A-related conditions. Invitae Evidence Modeling of protein sequence and biophysical properties (such as structural, functional, and spatial information, amino acid conservation, physicochemical variation, residue mobility, and thermodynamic stability) indicates that this missense variant is not expected to disrupt KAT6A protein function with a negative predictive value of 95%. In summary, the available evidence is currently insufficient to determine the role of this variant in disease. Therefore, it has been classified as a Variant of Uncertain Significance.

NM_006766.5(KAT6A):c.2467G>A (p.Glu823Lys)

Gene: KAT6A (lysine acetyltransferase 6A; minus strand). Cytogenetic location: 8p11.21.
Variant type: single nucleotide variant.
Coding change: c.2467G>A on transcript NM_006766.5 (MANE Select); coding-DNA position 2467, G replaced by A.
Protein change: p.Glu823Lys; replaces glutamic acid 823 with lysine.
Molecular consequence: missense variant.
Genome position (GRCh38, 1-based): chr8:41,941,414, C>T on the plus strand (G>A on the coding strand, the complement: KAT6A is on the minus strand). VCF-style: chr8-41941414-C-T. GRCh37 (hg19) VCF-style: chr8-41798932-C-T.
Other names: short protein forms E823K.
Identifiers: ClinVar variation 4747336 (VCV004747336.1).